The following is an entry in ClinVar:

ClinVar aggregate classification (germline): Uncertain significance. Review status: criteria provided, multiple submitters, no conflicts (2 of 4 stars). 2 submissions from 2 submitters: Uncertain significance (2). Last evaluated 2025-06-17.

Conditions:
Inborn genetic diseases. Identifiers: MedGen C0950123, MeSH D030342.

gnomAD v4.1: 5 of 1,161,342 alleles (0.00043%); highest among the groups gnomAD compares: Admixed American, 0.01%; 1 homozygote.

Submissions (2):

Labcorp Genetics (formerly Invitae), Labcorp
Classification: Uncertain significance. Last evaluated: 2025-06-17. Review status: criteria provided, single submitter. Criteria: Invitae Variant Classification Sherloc (09022015). Collection method: clinical testing. Allele origin: germline.
Comment: This sequence change replaces glutamic acid, which is acidic and polar, with lysine, which is basic and polar, at codon 244 of the NYX protein (p.Glu244Lys). The frequency data for this variant in the population databases is considered unreliable, as metrics indicate poor data quality at this position in the gnomAD database. This variant has not been reported in the literature in individuals affected with NYX-related conditions. ClinVar contains an entry for this variant (Variation ID: 2482428). Invitae Evidence Modeling of protein sequence and biophysical properties (such as structural, functional, and spatial information, amino acid conservation, physicochemical variation, residue mobility, and thermodynamic stability) indicates that this missense variant is not expected to disrupt NYX protein function with a negative predictive value of 80%. In summary, the available evidence is currently insufficient to determine the role of this variant in disease. Therefore, it has been classified as a Variant of Uncertain Significance.

Ambry Genetics
Classification: Uncertain significance for Inborn genetic diseases. Last evaluated: 2023-02-08. Review status: criteria provided, single submitter. Criteria: Ambry Variant Classification Scheme 2023. Collection method: clinical testing. Allele origin: germline.

NM_001378477.3(NYX):c.715G>A (p.Glu239Lys)

Gene: NYX (nyctalopin; plus strand). Cytogenetic location: Xp11.4.
Variant type: single nucleotide variant.
Coding change: c.715G>A on transcript NM_001378477.3 (MANE Select); coding-DNA position 715, G replaced by A.
Protein change: p.Glu239Lys; replaces glutamic acid 239 with lysine.
Molecular consequence: missense variant.
Genome position (GRCh38, 1-based): chrX:41,474,183, G>A. VCF-style: chrX-41474183-G-A. GRCh37 (hg19) VCF-style: chrX-41333436-G-A.
Other names: c.715G>A, p.Glu239Lys (NM_022567.3); short protein forms E239K.
Identifiers: ClinVar variation 2482428 (VCV002482428.3), dbSNP rs765093922, ClinGen allele CA412991118.
Genomic context (GRCh38, chrX:41,474,183, plus strand): 5'-GGCGCCTTCGGGGACTGTGGCGTCCTGGAGCATCTGCTGCTCAACGACAACCTGCTGGCC[G>A]AGCTCCCGGCCGACGCCTTCCGCGGCCTGCGGCGCCTGCGCACGCTCAACCTGGGTGGCA-3'
Protein context (NP_001365406.2, residues 229-249): HLLLNDNLLA[Glu239Lys]LPADAFRGLR